The following is an entry in ClinVar:

ClinVar aggregate classification (germline): Conflicting classifications of pathogenicity. Review status: criteria provided, conflicting classifications (1 of 4 stars). 8 submissions from 8 submitters: Uncertain significance (2); Likely benign (6). Last evaluated 2026-01-25.

Conditions:
Autoinflammatory syndrome. Identifiers: Orphanet 93665, MedGen C3890737, MONDO:0019751.
LYST-related disorder. Also called: LYST-related condition.
Chédiak-Higashi syndrome (CHS). Also called: Chediak-Higashi Syndrome. Identifiers: Orphanet 167, MedGen C0007965, MONDO:0008963, OMIM 214500.

Allele frequency attached by ClinVar (database versions not stated): ESP Exome Variant Server 0.00008; TOPMed 0.00015; gnomAD 0.00026 and 0.00040; ExAC 0.00046; gnomAD exomes 0.00054; 1000 Genomes Project 0.00060; 1000 Genomes Project 30x 0.00078.
gnomAD v4.1: 465 of 1,614,150 alleles (0.029%); highest among the groups gnomAD compares: Middle Eastern, 0.46%; 4 homozygotes.

Submissions (8):

Labcorp Genetics (formerly Invitae), Labcorp
Classification: Likely benign for Chédiak-Higashi syndrome. Last evaluated: 2026-01-25. Review status: criteria provided, single submitter. Criteria: Invitae Variant Classification Sherloc (09022015). Collection method: clinical testing. Allele origin: germline.

Mayo Clinic Laboratories, Mayo Clinic
Classification: Likely benign. Last evaluated: 2025-06-25. Review status: criteria provided, single submitter. Criteria: ACMG Guidelines, 2015. Collection method: clinical testing. Allele origin: germline. Observed: 3 variant alleles.
Comment: BS1, BP4_moderate

PreventionGenetics, part of Exact Sciences
Classification: Likely benign for LYST-related condition. Last evaluated: 2025-02-17. Review status: criteria provided, single submitter. Criteria: ACMG Guidelines, 2015. Collection method: clinical testing. Allele origin: germline.
Comment: This variant is classified as likely benign based on ACMG/AMP sequence variant interpretation guidelines (Richards et al. 2015 PMID: 25741868, with internal and published modifications).

Blueprint Genetics
Classification: Likely benign. Last evaluated: 2024-10-24. Review status: criteria provided, single submitter. Criteria: ACMG Guidelines, 2015. Collection method: clinical testing. Allele origin: germline.

Women's Health and Genetics/Laboratory Corporation of America, LabCorp
Classification: Likely benign. Last evaluated: 2024-01-09. Review status: criteria provided, single submitter. Criteria: LabCorp Variant Classification Summary - May 2015. Collection method: clinical testing. Allele origin: germline.
Comment: Variant summary: LYST c.6487G>A (p.Ala2163Thr) results in a non-conservative amino acid change in the encoded protein sequence. Four of five in-silico tools predict a benign effect of the variant on protein function. The variant allele was found at a frequency of 0.00054 in 251256 control chromosomes, predominantly at a frequency of 0.0028 within the South Asian subpopulation in the gnomAD database. The observed variant frequency within South Asian control individuals in the gnomAD database is approximately 2.5 fold of the estimated maximal expected allele frequency for a pathogenic variant in LYST causing Chediak-Higashi Syndrome phenotype (0.0011), strongly suggesting that the variant is a benign polymorphism found primarily in populations of South Asian origin. To our knowledge, no occurrence of c.6487G>A in individuals affected with Chediak-Higashi Syndrome and no experimental evidence demonstrating its impact on protein function have been reported. ClinVar contains an entry for this variant (Variation ID: 873939). Based on the evidence outlined above, the variant was classified as likely benign.

CeGaT Center for Human Genetics Tuebingen
Classification: Likely benign. Last evaluated: 2021-03-01. Review status: criteria provided, single submitter. Criteria: CeGaT Center For Human Genetics Tuebingen Variant Classification Criteria Version 2. Collection method: clinical testing. Allele origin: germline. Affected: yes. Observed: 1 variant allele.

Genome Diagnostics Laboratory, The Hospital for Sick Children
Classification: Uncertain significance for Autoinflammatory syndrome. Last evaluated: 2018-09-01. Review status: criteria provided, single submitter. Criteria: ACMG Guidelines, 2015. Collection method: clinical testing. Allele origin: germline. Affected: yes.

Illumina Laboratory Services, Illumina
Classification: Uncertain significance for Chédiak-Higashi syndrome. Last evaluated: 2018-01-12. Review status: criteria provided, single submitter. Criteria: ICSL Variant Classification Criteria 13 December 2019. Collection method: clinical testing. Allele origin: germline.

NM_000081.4(LYST):c.6487G>A (p.Ala2163Thr)

Gene: LYST (lysosomal trafficking regulator; minus strand). Cytogenetic location: 1q42.3.
Variant type: single nucleotide variant.
Coding change: c.6487G>A on transcript NM_000081.4 (MANE Select); coding-DNA position 6487, G replaced by A.
Protein change: p.Ala2163Thr; replaces alanine 2163 with threonine.
Molecular consequence: missense variant.
Genome position (GRCh38, 1-based): chr1:235,759,366, C>T on the plus strand (G>A on the coding strand, the complement: LYST is on the minus strand). VCF-style: chr1-235759366-C-T. GRCh37 (hg19) VCF-style: chr1-235922666-C-T.
Other names: p.Ala2163Thr; c.6487G>A, p.Ala2163Thr (NM_001301365.1); short protein forms A2163T.
Identifiers: ClinVar variation 873939 (VCV000873939.52), dbSNP rs201513511, ClinGen allele CA1466363.